The following is an entry in ClinVar:

ClinVar aggregate classification (germline): Conflicting classifications of pathogenicity. Review status: criteria provided, conflicting classifications (1 of 4 stars). 4 submissions from 4 submitters: Pathogenic (1); Likely pathogenic (2); Uncertain significance (1). Last evaluated 2025-09-16.

Conditions:
Lethal left ventricular non-compaction-seizures-hypotonia-cataract-developmental delay syndrome. Also called: Combined oxidative phosphorylation deficiency 31. Identifiers: Orphanet 478049, MedGen C4310661, MONDO:0014976, OMIM 617228.

Allele frequency attached by ClinVar (database versions not stated): TOPMed 0.00004.
gnomAD v4.1: 8 of 1,596,110 alleles (0.0005%); highest among the groups gnomAD compares: East Asian, 0.0023%; no homozygotes.

Submissions (4):

Labcorp Genetics (formerly Invitae), Labcorp
Classification: Pathogenic. Last evaluated: 2025-09-16. Review status: criteria provided, single submitter. Criteria: Invitae Variant Classification Sherloc (09022015). Collection method: clinical testing. Allele origin: germline.
Comment: This sequence change creates a premature translational stop signal (p.Arg181*) in the MIPEP gene. It is expected to result in an absent or disrupted protein product. Loss-of-function variants in MIPEP are known to be pathogenic (PMID: 27799064, 34620555). The frequency data for this variant in the population databases is considered unreliable, as metrics indicate poor data quality at this position in the gnomAD database. This variant has not been reported in the literature in individuals affected with MIPEP-related conditions. ClinVar contains an entry for this variant (Variation ID: 930107). Algorithms developed to predict the effect of sequence changes on RNA splicing suggest that this variant may disrupt the consensus splice site. For these reasons, this variant has been classified as Pathogenic.

Blueprint Genetics
Classification: Uncertain significance. Last evaluated: 2023-05-29. Review status: criteria provided, single submitter. Criteria: ACMG Guidelines, 2015. Collection method: clinical testing. Allele origin: germline.

Broad Center for Mendelian Genomics, Broad Institute of MIT and Harvard
Classification: Likely pathogenic for Lethal left ventricular non-compaction-seizures-hypotonia-cataract-developmental delay syndrome. Last evaluated: 2023-01-25. Review status: criteria provided, single submitter. Criteria: ACMG Guidelines, 2015. Collection method: curation. Allele origin: germline. Inheritance: Autosomal recessive inheritance.
Comment: The p.Arg181Ter variant in MIPEP has not been previously reported in individuals with combined oxidative phosphorylation deficiency 31. This variant has been identified in 0.006% (1/16940) of East Asian chromosomes by the Genome Aggregation Database (gnomAD; dbSNP rs866158774). Although this variant has been seen in the general population in a heterozygous state, its frequency is low enough to be consistent with a recessive carrier frequency. This variant has also been reported in ClinVar (Variation ID: 930107) and has been interpreted as likely pathogenic by the Mass General Brigham Laboratory for Personalized Medicine. This nonsense variant leads to a premature termination codon at position 181, which is predicted to lead to a truncated or absent protein. Loss of function of the MIPEP gene is strongly associated to combined oxidative phosphorylation deficiency 31. In summary, although there is some suspicion for a pathogenic role, the clinical significance of this variant is uncertain. ACMG/AMP Criteria applied: PVS1, PM2_supporting (Richards 2015).

Laboratory for Molecular Medicine, Mass General Brigham Personalized Medicine
Classification: Likely pathogenic for Lethal left ventricular non-compaction-seizures-hypotonia-cataract-developmental delay syndrome. Last evaluated: 2020-02-11. Review status: criteria provided, single submitter. Criteria: LMM Criteria. Collection method: clinical testing. Allele origin: germline. Inheritance: Autosomal recessive inheritance. Observed: 2 variant alleles.
Comment: The p.Arg181X variant in MIPEP has not been previously reported in individuals with a severe cardiac and neurodevelopmental disease but has been identified in 3/115251 chromosomes by gnomAD, which is low enough to be consistent with a recessive carrier frequency. This variant was identified in compound heterozygous state with a variant of uncertain significance in an individual with childhood-onset heart failure, absent speech, and inability to walk by the Broad Institute Rare Genomes Project. This nonsense variant leads to a premature termination codon at position 181, which is predicted to lead to a truncated or absent protein. Loss of function of the MIPEP gene is associated to autosomal recessive neurodevelopmental disease with cardiomyopathy. In summary, although additional studies are required to fully establish its clinical significance, this variant meets criteria to be classified as likely pathogenic for autosomal recessive neurodevelopmental disease with cardiomyopathy. ACMG/AMP Criteria applied: PVS1, PM2.

Literature cited by the submitters: PubMed 27799064 (cited by Labcorp Genetics (formerly Invitae), Labcorp); PubMed 34620555 (cited by Labcorp Genetics (formerly Invitae), Labcorp).

NM_005932.4(MIPEP):c.541C>T (p.Arg181Ter)

Gene: MIPEP (mitochondrial intermediate peptidase; minus strand). Cytogenetic location: 13q12.12.
Variant type: single nucleotide variant.
Coding change: c.541C>T on transcript NM_005932.4 (MANE Select); coding-DNA position 541, C replaced by T.
Protein change: p.Arg181Ter; replaces arginine 181 with a stop codon.
Molecular consequence: nonsense.
Genome position (GRCh38, 1-based): chr13:23,874,908, G>A on the plus strand (C>T on the coding strand, the complement: MIPEP is on the minus strand). VCF-style: chr13-23874908-G-A. GRCh37 (hg19) VCF-style: chr13-24449047-G-A.
Other names: NM_005932.4(MIPEP):c.541C>T; p.Arg181Ter; short protein forms R181*.
Identifiers: ClinVar variation 930107 (VCV000930107.8), dbSNP rs866158774, ClinGen allele CA246686819.